The following is an entry in ClinVar:

NM_032119.4(ADGRV1):c.10093T>C (p.Tyr3365His)

Gene: ADGRV1 (adhesion G protein-coupled receptor V1; plus strand). Cytogenetic location: 5q14.3.
Variant type: single nucleotide variant.
Coding change: c.10093T>C on transcript NM_032119.4 (MANE Select); coding-DNA position 10093, T replaced by C.
Protein change: p.Tyr3365His; replaces tyrosine 3365 with histidine.
Molecular consequence: missense variant. On other transcripts: non-coding transcript variant (1).
Genome position (GRCh38, 1-based): chr5:90,725,588, T>C. VCF-style: chr5-90725588-T-C. GRCh37 (hg19) VCF-style: chr5-90021405-T-C.
Other names: short protein forms Y3365H.
Identifiers: ClinVar variation 1995782 (VCV001995782.1), dbSNP rs777521443, ClinGen allele CA3340669.
Genomic context (GRCh38, chr5:90,725,588, plus strand): 5'-ATTCCCACTCTGTCCTTGCAGGTACAAACAATCATTATTCTGGAAAGTTCTCAAGTAAGA[T>C]ATTTTACTTCAGACAGCCAAGATTATTTAATCATTGCAAGTCAAAGAGATGATTCCGAAT-3'
Protein context (NP_115495.3, residues 3355-3375): IIILESSQVR[Tyr3365His]FTSDSQDYLI

ClinVar aggregate classification (germline): Uncertain significance (1 of 4 stars; one submission).

Allele frequency attached by ClinVar (database versions not stated): TOPMed below 0.00001; ExAC 0.00001; gnomAD 0.00001; gnomAD exomes 0.00001.
gnomAD v4.1: 20 of 1,585,290 alleles (0.0013%); highest among the groups gnomAD compares: East Asian, 0.034%; no homozygotes.

Submission:

Labcorp Genetics (formerly Invitae), Labcorp
Classification: Uncertain significance. Last evaluated: 2022-05-17. Review status: criteria provided, single submitter. Criteria: Invitae Variant Classification Sherloc (09022015). Collection method: clinical testing. Allele origin: germline.
Comment: This sequence change replaces tyrosine, which is neutral and polar, with histidine, which is basic and polar, at codon 3365 of the ADGRV1 protein (p.Tyr3365His). This variant is present in population databases (rs777521443, gnomAD 0.0009%). This variant has not been reported in the literature in individuals affected with ADGRV1-related conditions. Algorithms developed to predict the effect of missense changes on protein structure and function output the following: SIFT: "Tolerated"; PolyPhen-2: "Possibly Damaging"; Align-GVGD: "Class C0". The histidine amino acid residue is found in multiple mammalian species, which suggests that this missense change does not adversely affect protein function. In summary, the available evidence is currently insufficient to determine the role of this variant in disease. Therefore, it has been classified as a Variant of Uncertain Significance.